The following is an entry in ClinVar:

NM_000260.4(MYO7A):c.4751C>G (p.Ser1584Cys)

Gene: MYO7A (myosin VIIA; plus strand). Cytogenetic location: 11q13.5.
Variant type: single nucleotide variant.
Coding change: c.4751C>G on transcript NM_000260.4 (MANE Select); coding-DNA position 4751, C replaced by G.
Protein change: p.Ser1584Cys; replaces serine 1584 with cysteine.
Molecular consequence: missense variant.
Genome position (GRCh38, 1-based): chr11:77,199,717, C>G. VCF-style: chr11-77199717-C-G. GRCh37 (hg19) VCF-style: chr11-76910762-C-G.
Other names: c.4637C>G, p.Ser1546Cys (NM_001127180.2); c.4604C>G, p.Ser1535Cys (NM_001369365.1); short protein forms S1535C, S1584C, S1546C.
Identifiers: ClinVar variation 864200 (VCV000864200.9), dbSNP rs1346469022, ClinGen allele CA381950857.
Genomic context (GRCh38, chr11:77,199,717, plus strand): 5'-AAACGACGGCCCCCAGCTTCACGCTGGCCACCATCAAGGGGGACGAATACACCTTCACCT[C>G]CAGCAATGCTGAGGACATTCGTGACCTGGTGGTCACCTTCCTAGAGGGGCTCCGGAAGAG-3'
Protein context (NP_000251.3, residues 1574-1594): TIKGDEYTFT[Ser1584Cys]SNAEDIRDLV

ClinVar aggregate classification (germline): Uncertain significance (1 of 4 stars; one submission).

gnomAD v4.1: 2 of 1,613,696 alleles (0.00012%); highest among the groups gnomAD compares: Non-Finnish European, 0.00017%; no homozygotes.

Submission:

Labcorp Genetics (formerly Invitae), Labcorp
Classification: Uncertain significance. Last evaluated: 2022-03-10. Review status: criteria provided, single submitter. Criteria: Invitae Variant Classification Sherloc (09022015). Collection method: clinical testing. Allele origin: germline.
Comment: In summary, the available evidence is currently insufficient to determine the role of this variant in disease. Therefore, it has been classified as a Variant of Uncertain Significance. Advanced modeling of protein sequence and biophysical properties (such as structural, functional, and spatial information, amino acid conservation, physicochemical variation, residue mobility, and thermodynamic stability) performed at Invitae indicates that this missense variant is expected to disrupt MYO7A protein function. ClinVar contains an entry for this variant (Variation ID: 864200). This variant has not been reported in the literature in individuals affected with MYO7A-related conditions. This variant is not present in population databases (gnomAD no frequency). This sequence change replaces serine, which is neutral and polar, with cysteine, which is neutral and slightly polar, at codon 1584 of the MYO7A protein (p.Ser1584Cys).